The following is an entry in ClinVar:

NM_001211.6(BUB1B):c.2812G>A (p.Gly938Arg)

Genes: BUB1B (BUB1 mitotic checkpoint serine/threonine kinase B; plus strand), BUB1B-PAK6 (BUB1B-PAK6 readthrough; plus strand). Cytogenetic location: 15q15.1.
Variant type: single nucleotide variant.
Coding change: c.2812G>A on transcript NM_001211.6 (MANE Select); coding-DNA position 2812, G replaced by A.
Protein change: p.Gly938Arg; replaces glycine 938 with arginine.
Molecular consequence: missense variant. On other transcripts: 5 prime UTR variant (2).
Genome position (GRCh38, 1-based): chr15:40,217,629, G>A. VCF-style: chr15-40217629-G-A. GRCh37 (hg19) VCF-style: chr15-40509830-G-A.
Other names: c.-239G>A (NM_001128628.3); c.-156G>A (NM_001128629.3); short protein forms G938R.
Identifiers: ClinVar variation 3262253 (VCV003262253.1).
Genomic context (GRCh38, chr15:40,217,629, plus strand): 5'-CTTAGGGTGCAGCTGGATGTTTTTACCCTCAGCGGCTTTCGGACTGTACAGATCCTGGAA[G>A]GACAAAAGATCCTGGCTAACTGTTCTTCTCCCTACCAGGTAAGTGTAAAACAAGCCTGAG-3'
Protein context (NP_001202.5, residues 928-948): SGFRTVQILE[Gly938Arg]QKILANCSSP

ClinVar aggregate classification (germline): Uncertain significance (1 of 4 stars; one submission).

Conditions:
Inborn genetic diseases. Identifiers: MedGen C0950123, MeSH D030342.

Submission:

Ambry Genetics
Classification: Uncertain significance for Inborn genetic diseases. Last evaluated: 2024-05-04. Review status: criteria provided, single submitter. Criteria: Ambry Variant Classification Scheme 2023. Collection method: clinical testing. Allele origin: germline.
Comment: The p.G938R variant (also known as c.2812G>A), located in coding exon 21 of the BUB1B gene, results from a G to A substitution at nucleotide position 2812. The glycine at codon 938 is replaced by arginine, an amino acid with dissimilar properties. This amino acid position is conserved. In addition, the in silico prediction for this alteration is inconclusive. Based on the available evidence, the clinical significance of this variant remains unclear.